The following is an entry in ClinVar:

NM_001277115.2(DNAH11):c.13133G>T (p.Gly4378Val)

Gene: DNAH11 (dynein axonemal heavy chain 11; plus strand). Cytogenetic location: 7p15.3.
Variant type: single nucleotide variant.
Coding change: c.13133G>T on transcript NM_001277115.2 (MANE Select); coding-DNA position 13133, G replaced by T.
Protein change: p.Gly4378Val; replaces glycine 4378 with valine.
Molecular consequence: missense variant.
Genome position (GRCh38, 1-based): chr7:21,899,419, G>T. VCF-style: chr7-21899419-G-T. GRCh37 (hg19) VCF-style: chr7-21939037-G-T.
Other names: short protein forms G4378V.
Identifiers: ClinVar variation 4710293 (VCV004710293.1).
Genomic context (GRCh38, chr7:21,899,419, plus strand): 5'-GCCGAGAACTCGATACTTGGACACAAGACCTTACCCTTCCGGCTGTCGTGTGGCTCTCCG[G>T]CTTCTTCAACCCTCAGTCCTTCTTAACTGGTAAGGGCTGACGCAGTGCAGCCCCTGATGC-3'
Protein context (NP_001264044.1, residues 4368-4388): LTLPAVVWLS[Gly4378Val]FFNPQSFLTA

ClinVar aggregate classification (germline): Uncertain significance (1 of 4 stars; one submission).

Conditions:
Primary ciliary dyskinesia. Also called: Ciliary dyskinesia. Identifiers: Orphanet 244, MedGen C0008780, MONDO:0016575, HP:0012265.

gnomAD v4.1: 1 of 1,613,818 alleles (0.000062%); highest among the groups gnomAD compares: Admixed American, 0.0017%; no homozygotes.

Submission:

Labcorp Genetics (formerly Invitae), Labcorp
Classification: Uncertain significance for Primary ciliary dyskinesia. Last evaluated: 2025-05-01. Review status: criteria provided, single submitter. Criteria: Invitae Variant Classification Sherloc (09022015). Collection method: clinical testing. Allele origin: germline.
Comment: This sequence change replaces glycine, which is neutral and non-polar, with valine, which is neutral and non-polar, at codon 4378 of the DNAH11 protein (p.Gly4378Val). This variant is not present in population databases (gnomAD no frequency). This variant has not been reported in the literature in individuals affected with DNAH11-related conditions. Invitae Evidence Modeling of protein sequence and biophysical properties (such as structural, functional, and spatial information, amino acid conservation, physicochemical variation, residue mobility, and thermodynamic stability) indicates that this missense variant is not expected to disrupt DNAH11 protein function with a negative predictive value of 95%. In summary, the available evidence is currently insufficient to determine the role of this variant in disease. Therefore, it has been classified as a Variant of Uncertain Significance.